The following is an entry in ClinVar:

ClinVar aggregate classification (germline): Uncertain significance (1 of 4 stars; one submission).

Conditions:
Cardiovascular phenotype. Identifiers: MedGen CN230736.

Submission:

Ambry Genetics
Classification: Uncertain significance for Cardiovascular phenotype. Last evaluated: 2025-03-23. Review status: criteria provided, single submitter. Criteria: Ambry Variant Classification Scheme 2023. Collection method: clinical testing. Allele origin: germline.
Comment: The p.D615N variant (also known as c.1843G>A), located in coding exon 2 of the TNXB gene, results from a G to A substitution at nucleotide position 1843. The aspartic acid at codon 615 is replaced by asparagine, an amino acid with highly similar properties. This amino acid position is conserved. In addition, this alteration is predicted to be tolerated by in silico analysis. Based on the available evidence, the clinical significance of this variant remains unclear.

NM_001365276.2(TNXB):c.1843G>A (p.Asp615Asn)

Gene: TNXB (tenascin XB; minus strand). Cytogenetic location: 6p21.33.
Variant type: single nucleotide variant.
Coding change: c.1843G>A on transcript NM_001365276.2 (MANE Select); coding-DNA position 1843, G replaced by A.
Protein change: p.Asp615Asn; replaces aspartic acid 615 with asparagine.
Molecular consequence: missense variant.
Genome position (GRCh38, 1-based): chr6:32,096,010, C>T on the plus strand (G>A on the coding strand, the complement: TNXB is on the minus strand). VCF-style: chr6-32096010-C-T. GRCh37 (hg19) VCF-style: chr6-32063787-C-T.
Other names: c.1843G>A, p.Asp615Asn (NM_001428335.1, NM_019105.8); short protein forms D615N.
Identifiers: ClinVar variation 3971977 (VCV003971977.1).